The following is an entry in ClinVar:

NM_001198800.3(ASCC1):c.439C>T (p.Gln147Ter)

Gene: ASCC1 (activating signal cointegrator 1 complex subunit 1; minus strand). Cytogenetic location: 10q22.1.
Variant type: single nucleotide variant.
Coding change: c.439C>T on transcript NM_001198800.3 (MANE Select); coding-DNA position 439, C replaced by T.
Protein change: p.Gln147Ter; replaces glutamine 147 with a stop codon.
Molecular consequence: nonsense. On other transcripts: non-coding transcript variant (1).
Genome position (GRCh38, 1-based): chr10:72,196,861, G>A on the plus strand (C>T on the coding strand, the complement: ASCC1 is on the minus strand). VCF-style: chr10-72196861-G-A. GRCh37 (hg19) VCF-style: chr10-73956619-G-A.
Other names: c.439C>T, p.Gln147Ter (NM_001198798.2, NM_001369087.1, NM_001369088.1 and 18 more transcripts); c.523C>T, p.Gln175Ter (NM_001198799.3); c.505C>T, p.Gln169Ter (NM_001369085.1, NM_001369086.1, NM_001369099.1); c.322C>T, p.Gln108Ter (NM_001369101.1, NM_001369102.1, NM_001369105.1 and 2 more transcripts); short protein forms Q108*, Q175*, Q169*, Q147*.
Identifiers: ClinVar variation 1452041 (VCV001452041.6), dbSNP rs937013345, ClinGen allele CA209529917.

ClinVar aggregate classification (germline): Pathogenic (1 of 4 stars; one submission).

Allele frequency attached by ClinVar (database versions not stated): TOPMed 0.00001.

Submission:

Labcorp Genetics (formerly Invitae), Labcorp
Classification: Pathogenic. Last evaluated: 2024-02-24. Review status: criteria provided, single submitter. Criteria: Invitae Variant Classification Sherloc (09022015). Collection method: clinical testing. Allele origin: germline.
Comment: This sequence change creates a premature translational stop signal (p.Gln147*) in the ASCC1 gene. It is expected to result in an absent or disrupted protein product. Loss-of-function variants in ASCC1 are known to be pathogenic (PMID: 30327447). This variant is not present in population databases (gnomAD no frequency). This variant has not been reported in the literature in individuals affected with ASCC1-related conditions. ClinVar contains an entry for this variant (Variation ID: 1452041). For these reasons, this variant has been classified as Pathogenic.

Literature cited by the submitters: PubMed 30327447.